The following is an entry in ClinVar:

ClinVar aggregate classification (germline): Uncertain significance (1 of 4 stars; one submission).

Conditions:
DICER1-related tumor predisposition. Also called: DICER1 syndrome; DICER1-related pleuropulmonary blastoma cancer predisposition syndrome. Identifiers: Orphanet 284343, MedGen C3839822, MONDO:0100216.

Submission:

Labcorp Genetics (formerly Invitae), Labcorp
Classification: Uncertain significance for DICER1-related tumor predisposition. Last evaluated: 2023-06-18. Review status: criteria provided, single submitter. Criteria: Invitae Variant Classification Sherloc (09022015). Collection method: clinical testing. Allele origin: germline.
Comment: This sequence change replaces lysine, which is basic and polar, with asparagine, which is neutral and polar, at codon 1615 of the DICER1 protein (p.Lys1615Asn). This variant is not present in population databases (gnomAD no frequency). This variant has not been reported in the literature in individuals affected with DICER1-related conditions. An algorithm developed to predict the effect of missense changes on protein structure and function (PolyPhen-2) suggests that this variant is likely to be tolerated. In summary, the available evidence is currently insufficient to determine the role of this variant in disease. Therefore, it has been classified as a Variant of Uncertain Significance.

NM_177438.3(DICER1):c.4845G>C (p.Lys1615Asn)

Gene: DICER1 (dicer 1, ribonuclease III; minus strand). Cytogenetic location: 14q32.13.
Variant type: single nucleotide variant.
Coding change: c.4845G>C on transcript NM_177438.3 (MANE Select); coding-DNA position 4845, G replaced by C.
Protein change: p.Lys1615Asn; replaces lysine 1615 with asparagine.
Molecular consequence: missense variant. On other transcripts: non-coding transcript variant (6).
Genome position (GRCh38, 1-based): chr14:95,096,075, C>G on the plus strand (G>C on the coding strand, the complement: DICER1 is on the minus strand). VCF-style: chr14-95096075-C-G. GRCh37 (hg19) VCF-style: chr14-95562412-C-G.
Other names: c.4440G>C, p.Lys1480Asn (NM_001395696.1, NM_001395687.1, NM_001395688.1 and 2 more transcripts); c.3162G>C, p.Lys1054Asn (NM_001395697.1); c.4845G>C, p.Lys1615Asn (NM_030621.4, NM_001195573.1, NM_001271282.3 and 13 more transcripts); c.4563G>C, p.Lys1521Asn (NM_001395686.1); c.4278G>C, p.Lys1426Asn (NM_001395691.1); short protein forms K1426N, K1521N, K1480N, K1054N, K1615N.
Identifiers: ClinVar variation 2973301 (VCV002973301.3), dbSNP rs1226051395, ClinGen allele CA390866790.